The following is an entry in ClinVar:

NM_001348716.2(KDM6B):c.1264G>C (p.Ala422Pro)

Gene: KDM6B (lysine demethylase 6B; plus strand). Cytogenetic location: 17p13.1.
Variant type: single nucleotide variant.
Coding change: c.1264G>C on transcript NM_001348716.2 (MANE Select); coding-DNA position 1264, G replaced by C.
Protein change: p.Ala422Pro; replaces alanine 422 with proline.
Molecular consequence: missense variant.
Genome position (GRCh38, 1-based): chr17:7,847,552, G>C. VCF-style: chr17-7847552-G-C. GRCh37 (hg19) VCF-style: chr17-7750870-G-C.
Other names: c.1264G>C, p.Ala422Pro (NM_001080424.2); short protein forms A422P.
Identifiers: ClinVar variation 4883402 (VCV004883402.2).

ClinVar aggregate classification (germline): Uncertain significance (1 of 4 stars; one submission).

Submission:

Dasa
Classification: Uncertain significance. Last evaluated: 2025-12-01. Review status: criteria provided, single submitter. Criteria: DASA Assertion Criteria. Collection method: clinical testing. Allele origin: germline.
Comment: NM_001348716.2(KDM6B):c.1264G>C (p.Ala422Pro) is a missense variant that results in the substitution of alanine with proline. This variant is absent from population databases. Computational prediction algorithms are consistent with a benign effect. The currently available literature and clinical evidence are not sufficient to establish a definitive association between this variant and the reported condition. Therefore, this variant is classified as a variant of uncertain significance.